The following is an entry in ClinVar:

NM_022834.5(VWA1):c.894G>A (p.Arg298=)

Gene: VWA1 (von Willebrand factor A domain containing 1; plus strand). Cytogenetic location: 1p36.33.
Variant type: single nucleotide variant.
Coding change: c.894G>A on transcript NM_022834.5 (MANE Select); coding-DNA position 894, G replaced by A.
Protein change: p.Arg298=; no amino-acid change (arginine 298 retained).
Molecular consequence: synonymous variant. On other transcripts: 3 prime UTR variant (1).
Genome position (GRCh38, 1-based): chr1:1,439,343, G>A. VCF-style: chr1-1439343-G-A. GRCh37 (hg19) VCF-style: chr1-1374723-G-A.
Other names: c.*304G>A (NM_199121.3).
Identifiers: ClinVar variation 3388504 (VCV003388504.14).

ClinVar aggregate classification (germline): Likely benign (1 of 4 stars; one submission).

gnomAD v4.1: 261 of 1,565,952 alleles (0.017%); highest among the groups gnomAD compares: Non-Finnish European, 0.019%; 1 homozygote.

Submission:

CeGaT Center for Human Genetics Tuebingen
Classification: Likely benign. Last evaluated: 2026-04-01. Review status: criteria provided, single submitter. Criteria: CeGaT Center For Human Genetics Tuebingen Variant Classification Criteria Version 2. Collection method: clinical testing. Allele origin: germline. Affected: yes. Observed: 3 variant alleles.
Comment: VWA1: BP4, BP7